The following is an entry in ClinVar:

NM_198239.2(CCN6):c.326A>C (p.Tyr109Ser)

Gene: CCN6 (cellular communication network factor 6; plus strand). Cytogenetic location: 6q21.
Variant type: single nucleotide variant.
Coding change: c.326A>C on transcript NM_198239.2 (MANE Select); coding-DNA position 326, A replaced by C.
Protein change: p.Tyr109Ser; replaces tyrosine 109 with serine.
Molecular consequence: missense variant. On other transcripts: non-coding transcript variant (2).
Genome position (GRCh38, 1-based): chr6:112,061,268, A>C. VCF-style: chr6-112061268-A-C. GRCh37 (hg19) VCF-style: chr6-112382471-A-C.
Other names: c.326A>C, p.Tyr109Ser (NM_003880.4); short protein forms Y109S.
Identifiers: ClinVar variation 1680459 (VCV001680459.5), dbSNP rs781995024, ClinGen allele CA3963959.

ClinVar aggregate classification (germline): Uncertain significance (1 of 4 stars; one submission).

Allele frequency attached by ClinVar (database versions not stated): TOPMed below 0.00001; ExAC 0.00001; gnomAD exomes 0.00001.
gnomAD v4.1: 19 of 1,614,234 alleles (0.0012%); highest among the groups gnomAD compares: Non-Finnish European, 0.0015%; no homozygotes.

Submission:

Labcorp Genetics (formerly Invitae), Labcorp
Classification: Uncertain significance. Last evaluated: 2022-07-12. Review status: criteria provided, single submitter. Criteria: Invitae Variant Classification Sherloc (09022015). Collection method: clinical testing. Allele origin: germline.
Comment: This sequence change replaces tyrosine, which is neutral and polar, with serine, which is neutral and polar, at codon 109 of the WISP3 protein (p.Tyr109Ser). This variant is present in population databases (rs781995024, gnomAD 0.006%). This variant has not been reported in the literature in individuals affected with WISP3-related conditions. ClinVar contains an entry for this variant (Variation ID: 1680459). Algorithms developed to predict the effect of missense changes on protein structure and function are either unavailable or do not agree on the potential impact of this missense change (SIFT: "Deleterious"; PolyPhen-2: "Probably Damaging"; Align-GVGD: "Class C0"). In summary, the available evidence is currently insufficient to determine the role of this variant in disease. Therefore, it has been classified as a Variant of Uncertain Significance.